The following is an entry in ClinVar:

ClinVar aggregate classification (germline): Likely pathogenic (1 of 4 stars; one submission).

Conditions:
Baller-Gerold syndrome (BGS). Also called: CRANIOSYNOSTOSIS WITH RADIAL DEFECTS. Identifiers: Orphanet 1225, MedGen C0265308, MONDO:0009039, OMIM 218600.

Allele frequency attached by ClinVar (database versions not stated): gnomAD exomes below 0.00001.
gnomAD v4.1: 1 of 1,394,430 alleles (0.000072%); highest among the groups gnomAD compares: Non-Finnish European, 0.000093%; no homozygotes.

Submission:

Labcorp Genetics (formerly Invitae), Labcorp
Classification: Likely pathogenic for Baller-Gerold syndrome. Last evaluated: 2024-05-06. Review status: criteria provided, single submitter. Criteria: Invitae Variant Classification Sherloc (09022015). Collection method: clinical testing. Allele origin: germline.
Comment: This sequence change affects a donor splice site in intron 1 of the RECQL4 gene. It is expected to disrupt RNA splicing. Variants that disrupt the donor or acceptor splice site typically lead to a loss of protein function (PMID: 16199547), and loss-of-function variants in RECQL4 are known to be pathogenic (PMID: 12734318, 12952869). This variant is not present in population databases (gnomAD no frequency). This variant has not been reported in the literature in individuals affected with RECQL4-related conditions. ClinVar contains an entry for this variant (Variation ID: 962827). Algorithms developed to predict the effect of sequence changes on RNA splicing suggest that this variant may disrupt the consensus splice site. In summary, the currently available evidence indicates that the variant is pathogenic, but additional data are needed to prove that conclusively. Therefore, this variant has been classified as Likely Pathogenic.

Literature cited by the submitters: PubMed 16199547; PubMed 12734318; PubMed 12952869.

NM_004260.4(RECQL4):c.84+1G>A

Genes: RECQL4 (RecQ like helicase 4; minus strand), LOC130001411 (ATAC-STARR-seq lymphoblastoid silent region 19699; plus strand). Cytogenetic location: 8q24.3.
Variant type: single nucleotide variant.
Coding change: c.84+1G>A on transcript NM_004260.4 (MANE Select); the canonical splice donor site of the intron after coding-DNA position 84, G replaced by A.
Molecular consequence: splice donor variant. On other transcripts: 5 prime UTR variant (14).
Genome position (GRCh38, 1-based): chr8:144,517,700, C>T on the plus strand (G>A on the coding strand, the complement: RECQL4 is on the minus strand). VCF-style: chr8-144517700-C-T. GRCh37 (hg19) VCF-style: chr8-145743084-C-T.
Other names: c.-1052G>A (NM_001413022.1, NM_001413023.1, NM_001413037.1 and 2 more transcripts); c.-949G>A (NM_001413024.1); c.84+1G>A (NM_001413025.1, NM_001413029.1, NM_001413033.1 and 6 more transcripts); c.-947+1G>A (NM_001413032.1); c.-885+1G>A (NM_001413035.1); c.-1050+1G>A (NM_001413027.1); c.-701G>A (NM_001413021.1); c.-777G>A (NM_001413028.1); and 4 more.
Identifiers: ClinVar variation 962827 (VCV000962827.7), dbSNP rs1815425378, ClinGen allele CA372693604.